The following is an entry in ClinVar:

NM_006929.5(SKIC2):c.1132G>A (p.Gly378Arg)

Genes: SKIC2 (SKI2 subunit of superkiller complex; plus strand), LOC126859653 (CDK7 strongly-dependent group 2 enhancer GRCh37_chr6:31929542-31930741; plus strand). Cytogenetic location: 6p21.33.
Variant type: single nucleotide variant.
Coding change: c.1132G>A on transcript NM_006929.5 (MANE Select); coding-DNA position 1132, G replaced by A.
Protein change: p.Gly378Arg; replaces glycine 378 with arginine.
Molecular consequence: missense variant.
Genome position (GRCh38, 1-based): chr6:31,962,506, G>A. VCF-style: chr6-31962506-G-A. GRCh37 (hg19) VCF-style: chr6-31930283-G-A.
Other names: short protein forms G378R.
Identifiers: ClinVar variation 906344 (VCV000906344.9), dbSNP rs776131482, ClinGen allele CA3729365.

ClinVar aggregate classification (germline): Uncertain significance. Review status: criteria provided, multiple submitters, no conflicts (2 of 4 stars). 2 submissions from 2 submitters: Uncertain significance (2). Last evaluated 2025-10-01.

Conditions:
Trichohepatoenteric syndrome 2 (THES2). Identifiers: Orphanet 84064, MedGen C3281289, MONDO:0013818, OMIM 614602.

Allele frequency attached by ClinVar (database versions not stated): ExAC 0.00002; gnomAD exomes 0.00002; gnomAD 0.00003 and 0.00004; TOPMed 0.00003.
gnomAD v4.1: 40 of 1,613,906 alleles (0.0025%); highest among the groups gnomAD compares: Middle Eastern, 0.016%; no homozygotes.

Submissions (2):

Labcorp Genetics (formerly Invitae), Labcorp
Classification: Uncertain significance. Last evaluated: 2025-10-01. Review status: criteria provided, single submitter. Criteria: Invitae Variant Classification Sherloc (09022015). Collection method: clinical testing. Allele origin: germline.
Comment: This sequence change replaces glycine, which is neutral and non-polar, with arginine, which is basic and polar, at codon 378 of the SKIV2L protein (p.Gly378Arg). This variant is present in population databases (rs776131482, gnomAD 0.003%). This variant has not been reported in the literature in individuals affected with SKIV2L-related conditions. ClinVar contains an entry for this variant (Variation ID: 906344). An algorithm developed to predict the effect of missense changes on protein structure and function (PolyPhen-2) suggests that this variant is likely to be disruptive. In summary, the available evidence is currently insufficient to determine the role of this variant in disease. Therefore, it has been classified as a Variant of Uncertain Significance.

Illumina Laboratory Services, Illumina
Classification: Uncertain significance for Trichohepatoenteric syndrome 2. Last evaluated: 2018-01-13. Review status: criteria provided, single submitter. Criteria: ICSL Variant Classification Criteria 13 December 2019. Collection method: clinical testing. Allele origin: germline.